The following is an entry in ClinVar:

NM_004998.4(MYO1E):c.2171A>C (p.Asp724Ala)

Gene: MYO1E (myosin IE; minus strand). Cytogenetic location: 15q22.2.
Variant type: single nucleotide variant.
Coding change: c.2171A>C on transcript NM_004998.4 (MANE Select); coding-DNA position 2171, A replaced by C.
Protein change: p.Asp724Ala; replaces aspartic acid 724 with alanine.
Molecular consequence: missense variant.
Genome position (GRCh38, 1-based): chr15:59,173,909, T>G on the plus strand (A>C on the coding strand, the complement: MYO1E is on the minus strand). VCF-style: chr15-59173909-T-G. GRCh37 (hg19) VCF-style: chr15-59466108-T-G.
Other names: short protein forms D724A.
Identifiers: ClinVar variation 1935296 (VCV001935296.5), dbSNP rs775852572, ClinGen allele CA7589331.

ClinVar aggregate classification (germline): Uncertain significance (1 of 4 stars; one submission).

Allele frequency attached by ClinVar (database versions not stated): gnomAD exomes below 0.00001; ExAC 0.00001.
gnomAD v4.1: 3 of 1,614,032 alleles (0.00019%); highest among the groups gnomAD compares: Non-Finnish European, 0.00025%; no homozygotes.

Submission:

Labcorp Genetics (formerly Invitae), Labcorp
Classification: Uncertain significance. Last evaluated: 2025-03-07. Review status: criteria provided, single submitter. Criteria: Invitae Variant Classification Sherloc (09022015). Collection method: clinical testing. Allele origin: germline.
Comment: This sequence change replaces aspartic acid, which is acidic and polar, with alanine, which is neutral and non-polar, at codon 724 of the MYO1E protein (p.Asp724Ala). This variant is present in population databases (rs775852572, gnomAD 0.002%). This variant has not been reported in the literature in individuals affected with MYO1E-related conditions. ClinVar contains an entry for this variant (Variation ID: 1935296). Invitae Evidence Modeling of protein sequence and biophysical properties (such as structural, functional, and spatial information, amino acid conservation, physicochemical variation, residue mobility, and thermodynamic stability) indicates that this missense variant is not expected to disrupt MYO1E protein function with a negative predictive value of 80%. In summary, the available evidence is currently insufficient to determine the role of this variant in disease. Therefore, it has been classified as a Variant of Uncertain Significance.